The following is an entry in ClinVar:

NM_004168.4(SDHA):c.1795-1G>A

Gene: SDHA (succinate dehydrogenase complex flavoprotein subunit A; plus strand). Cytogenetic location: 5p15.33.
Variant type: single nucleotide variant.
Coding change: c.1795-1G>A on transcript NM_004168.4 (MANE Select); the canonical splice acceptor site of the intron before coding-DNA position 1795, G replaced by A.
Molecular consequence: splice acceptor variant.
Genome position (GRCh38, 1-based): chr5:254,392, G>A. VCF-style: chr5-254392-G-A. GRCh37 (hg19) VCF-style: chr5-254507-G-A.
Other names: c.1552-1G>A (NM_001330758.2); c.1651-1G>A (NM_001294332.2).
Identifiers: ClinVar variation 3774471 (VCV003774471.1).
Genomic context (GRCh38, chr5:254,392, plus strand): 5'-GTGTTTTTTCTGTATTGCTCTGTTAGAGTAATAAGAAACGTGATGGTGTTTCTGGCCTCA[G>A]GTGCGGATTGATGAGTACGATTACTCCAAGCCCATCCAGGGGCAACAGAAGAAGCCCTTT-3'

ClinVar aggregate classification (germline): Likely pathogenic (1 of 4 stars; one submission).

Conditions:
Hereditary cancer-predisposing syndrome. Also called: Tumor predisposition; Hereditary Cancer Syndrome; Neoplastic Syndromes, Hereditary; Hereditary neoplastic syndrome. Identifiers: Orphanet 140162, MedGen C0027672, MeSH D009386, MONDO:0015356.

Submission:

Molecular Diagnostics Laboratory, Catalan Institute of Oncology
Classification: Likely pathogenic for Hereditary cancer-predisposing syndrome. Last evaluated: 2025-03-03. Review status: criteria provided, single submitter. Criteria: ACMG Guidelines, 2015. Collection method: clinical testing. Allele origin: germline.
Comment: PVS1, PM2_Supporting c.1795-1G>A, located in a canonic splicing site of the SDHA gene, is predicted to alter splicing. The SpliceAI algorithm predicts that the variant disrupts the canonical acceptor site and generates a novel cryptic splice acceptor site upstream of the canonical site (SpliceAI-AcceptorGain score: 0.85), probably causing the inclusion of the last 33 bases of intron 13 (r.1794_1795insuaauaagaaacgugaugguguuucuggccucag). This alteration is expected to result in loss of function by premature protein truncation and nonsense-mediated mRNA decay (p.Val599*) (PVS1).This variant is not present in the population database gnomAD v2.1.1, non cancer dataset (PM2_supporting). To our knowledge, neither clinical data nor functional studies have been reported for this variant. This variant has not been reported neither in ClinVar nor LOVD databases. Based on currently available information, the variant c.1795-1G>A should be considered a likely pathogenic variant.